The following is an entry in ClinVar:

NM_018026.4(PACS1):c.1431G>C (p.Glu477Asp)

Gene: PACS1 (phosphofurin acidic cluster sorting protein 1; plus strand). Cytogenetic location: 11q13.2.
Variant type: single nucleotide variant.
Coding change: c.1431G>C on transcript NM_018026.4 (MANE Select); coding-DNA position 1431, G replaced by C.
Protein change: p.Glu477Asp; replaces glutamic acid 477 with aspartic acid.
Molecular consequence: missense variant.
Genome position (GRCh38, 1-based): chr11:66,230,604, G>C. VCF-style: chr11-66230604-G-C. GRCh37 (hg19) VCF-style: chr11-65998075-G-C.
Other names: short protein forms E477D.
Identifiers: ClinVar variation 4538341 (VCV004538341.1).
Genomic context (GRCh38, chr11:66,230,604, plus strand): 5'-GTAGGAAATCACTGACCAGGACATGTTTGGAGATGCCAGCACGAGTCTGGTTGTGCCGGA[G>C]AAAGTCAAAACTCCCATGAAGTCCAGTAAAACGGATCTCCAGGGCTCTGCCTCCCCCAGG-3'
Protein context (NP_060496.2, residues 467-487): GDASTSLVVP[Glu477Asp]KVKTPMKSSK

ClinVar aggregate classification (germline): Uncertain significance (1 of 4 stars; one submission).

gnomAD v4.1: 1 of 1,614,162 alleles (0.000062%); highest among the groups gnomAD compares: Non-Finnish European, 0.000085%; no homozygotes.

Submission:

Greenwood Genetic Center Diagnostic Laboratories, Greenwood Genetic Center
Classification: Uncertain significance. Last evaluated: 2025-06-26. Review status: criteria provided, single submitter. Criteria: ACMG Guidelines, 2015. Collection method: clinical testing. Allele origin: germline. Affected: yes.
Comment: PM2, BP4, PP2